The following is an entry in ClinVar:

NM_015693.4(INTU):c.2042A>C (p.Gln681Pro)

Gene: INTU (inturned planar cell polarity protein; plus strand). Cytogenetic location: 4q28.1.
Variant type: single nucleotide variant.
Coding change: c.2042A>C on transcript NM_015693.4 (MANE Select); coding-DNA position 2042, A replaced by C.
Protein change: p.Gln681Pro; replaces glutamine 681 with proline.
Molecular consequence: missense variant.
Genome position (GRCh38, 1-based): chr4:127,706,740, A>C. VCF-style: chr4-127706740-A-C. GRCh37 (hg19) VCF-style: chr4-128627895-A-C.
Other names: short protein forms Q681P.
Identifiers: ClinVar variation 4744283 (VCV004744283.1).
Genomic context (GRCh38, chr4:127,706,740, plus strand): 5'-TTACTGGATCACGTGAAAAAACAGATAGCTTGACCACTTCGCCTATTCTCAGTAGGCTAC[A>C]AGGTACTTCCAAAGTAGCAACTTCTCCAACATGCAGAAGAACGCTTTTTGGTGACTATTC-3'
Protein context (NP_056508.2, residues 671-691): LTTSPILSRL[Gln681Pro]GTSKVATSPT

ClinVar aggregate classification (germline): Uncertain significance (1 of 4 stars; one submission).

gnomAD v4.1: 1 of 1,614,138 alleles (0.000062%); highest among the groups gnomAD compares: Non-Finnish European, 0.000085%; no homozygotes.

Submission:

Labcorp Genetics (formerly Invitae), Labcorp
Classification: Uncertain significance. Last evaluated: 2025-05-21. Review status: criteria provided, single submitter. Criteria: Invitae Variant Classification Sherloc (09022015). Collection method: clinical testing. Allele origin: germline.
Comment: This sequence change replaces glutamine, which is neutral and polar, with proline, which is neutral and non-polar, at codon 681 of the INTU protein (p.Gln681Pro). This variant is not present in population databases (gnomAD no frequency). This variant has not been reported in the literature in individuals affected with INTU-related conditions. Invitae Evidence Modeling of protein sequence and biophysical properties (such as structural, functional, and spatial information, amino acid conservation, physicochemical variation, residue mobility, and thermodynamic stability) indicates that this missense variant is not expected to disrupt INTU protein function with a negative predictive value of 80%. In summary, the available evidence is currently insufficient to determine the role of this variant in disease. Therefore, it has been classified as a Variant of Uncertain Significance.